The following is an entry in ClinVar:

NM_024334.3(TMEM43):c.1159A>G (p.Ile387Val)

Gene: TMEM43 (transmembrane protein 43; plus strand). Cytogenetic location: 3p25.1.
Variant type: single nucleotide variant.
Coding change: c.1159A>G on transcript NM_024334.3 (MANE Select); coding-DNA position 1159, A replaced by G.
Protein change: p.Ile387Val; replaces isoleucine 387 with valine.
Molecular consequence: missense variant.
Genome position (GRCh38, 1-based): chr3:14,141,751, A>G. VCF-style: chr3-14141751-A-G. GRCh37 (hg19) VCF-style: chr3-14183251-A-G.
Other names: short protein forms I387V.
Identifiers: ClinVar variation 629450 (VCV000629450.14), dbSNP rs541565919, ClinGen allele CA051369.

ClinVar aggregate classification (germline): Uncertain significance. Review status: criteria provided, multiple submitters, no conflicts (2 of 4 stars). 3 submissions from 3 submitters: Uncertain significance (3). Last evaluated 2025-12-01.

Conditions:
Arrhythmogenic right ventricular dysplasia 5. Also called: Arrhythmogenic Right Ventricular Dysplasia/Cardiomyopathy 5; ARRHYTHMOGENIC RIGHT VENTRICULAR DYSPLASIA, FAMILIAL, 5. Identifiers: MedGen C1858379, MONDO:0011459, OMIM 604400.
Cardiomyopathy (CMYO). Also called: Cardiomyopathies. Identifiers: Orphanet 167848, MedGen C0878544, MONDO:0004994, HP:0001638. Inheritance: Various modes of inheritance.

Allele frequency attached by ClinVar (database versions not stated): gnomAD below 0.00001 and 0.00003; gnomAD exomes 0.00002 and 0.00003; ExAC 0.00003; 1000 Genomes Project 30x 0.00016; 1000 Genomes Project 0.00020.
gnomAD v4.1: 35 of 1,613,970 alleles (0.0022%); highest among the groups gnomAD compares: South Asian, 0.038%; no homozygotes.

Submissions (3):

Labcorp Genetics (formerly Invitae), Labcorp
Classification: Uncertain significance for Arrhythmogenic right ventricular dysplasia 5. Last evaluated: 2025-12-01. Review status: criteria provided, single submitter. Criteria: Invitae Variant Classification Sherloc (09022015). Collection method: clinical testing. Allele origin: germline.
Comment: This sequence change replaces isoleucine, which is neutral and non-polar, with valine, which is neutral and non-polar, at codon 387 of the TMEM43 protein (p.Ile387Val). This variant is present in population databases (rs541565919, gnomAD 0.02%). This variant has not been reported in the literature in individuals affected with TMEM43-related conditions. ClinVar contains an entry for this variant (Variation ID: 629450). Invitae Evidence Modeling of protein sequence and biophysical properties (such as structural, functional, and spatial information, amino acid conservation, physicochemical variation, residue mobility, and thermodynamic stability) indicates that this missense variant is not expected to disrupt TMEM43 protein function with a negative predictive value of 80%. In summary, the available evidence is currently insufficient to determine the role of this variant in disease. Therefore, it has been classified as a Variant of Uncertain Significance.

Color Diagnostics, LLC DBA Color Health
Classification: Uncertain significance for Cardiomyopathy. Last evaluated: 2024-03-06. Review status: criteria provided, single submitter. Criteria: ACMG Guidelines, 2015. Collection method: clinical testing. Allele origin: germline.
Comment: This missense variant replaces isoleucine with valine at codon 387 of the TMEM43 protein. Computational prediction suggests that this variant may not impact protein structure and function (internally defined REVEL score threshold <= 0.5, PMID: 27666373). To our knowledge, functional studies have not been reported for this variant. This variant has not been reported in individuals affected with cardiovascular disorders in the literature. This variant has been identified in 7/251340 chromosomes in the general population by the Genome Aggregation Database (gnomAD). The available evidence is insufficient to determine the role of this variant in disease conclusively. Therefore, this variant is classified as a Variant of Uncertain Significance.

GeneDx
Classification: Uncertain significance. Last evaluated: 2022-03-28. Review status: criteria provided, single submitter. Criteria: GeneDx Variant Classification Process June 2021. Collection method: clinical testing. Allele origin: germline. Affected: yes.
Comment: Has not been previously published as pathogenic or benign to our knowledge; In silico analysis supports that this missense variant does not alter protein structure/function